The following is an entry in ClinVar:

ClinVar aggregate classification (germline): Uncertain significance. Review status: criteria provided, multiple submitters, no conflicts (2 of 4 stars). 3 submissions from 3 submitters: Uncertain significance (3). Last evaluated 2025-03-13.

Conditions:
Cardiomyopathy (CMYO). Also called: Cardiomyopathies. Identifiers: Orphanet 167848, MedGen C0878544, MONDO:0004994, HP:0001638. Inheritance: Various modes of inheritance.
Arrhythmogenic cardiomyopathy with wooly hair and keratoderma. Also called: Dilated cardiomyopathy with woolly hair and keratoderma; PALMOPLANTAR KERATODERMA WITH LEFT VENTRICULAR CARDIOMYOPATHY AND WOOLLY HAIR; Arrhythmogenic cardiomyopathy with woolly hair and keratoderma; Carvajal syndrome. Identifiers: Orphanet 65282, MedGen C1854063, MONDO:0011581, OMIM 605676.
Arrhythmogenic right ventricular dysplasia 8 (ARVD8). Also called: Arrhythmogenic Right Ventricular Dysplasia/Cardiomyopathy 8; ARRHYTHMOGENIC RIGHT VENTRICULAR DYSPLASIA, FAMILIAL, 8; ARRHYTHMOGENIC RIGHT VENTRICULAR CARDIOMYOPATHY 8. Identifiers: MedGen C1843896, MONDO:0011831, OMIM 607450.

gnomAD v4.1: 3 of 1,614,180 alleles (0.00019%); highest among the groups gnomAD compares: Non-Finnish European, 0.00025%; no homozygotes.

Submissions (3):

GeneDx
Classification: Uncertain significance. Last evaluated: 2025-03-13. Review status: criteria provided, single submitter. Criteria: GeneDx Variant Classification Process June 2021. Collection method: clinical testing. Allele origin: germline. Affected: yes.
Comment: Not observed at significant frequency in large population cohorts (gnomAD); In silico analysis supports that this missense variant has a deleterious effect on protein structure/function; Has not been previously published as pathogenic or benign to our knowledge

Color Diagnostics, LLC DBA Color Health
Classification: Uncertain significance for Cardiomyopathy. Last evaluated: 2024-03-06. Review status: criteria provided, single submitter. Criteria: ACMG Guidelines, 2015. Collection method: clinical testing. Allele origin: germline.
Comment: This missense variant replaces glutamine with proline at codon 2457 of the DSP protein. Computational prediction suggests that this variant may not impact protein structure and function (internally defined REVEL score threshold <= 0.5, PMID: 27666373). To our knowledge, functional studies have not been reported for this variant. This variant has not been reported in individuals affected with cardiovascular disorders in the literature. This variant has not been identified in the general population by the Genome Aggregation Database (gnomAD). The available evidence is insufficient to determine the role of this variant in disease conclusively. Therefore, this variant is classified as a Variant of Uncertain Significance.

Labcorp Genetics (formerly Invitae), Labcorp
Classification: Uncertain significance for Arrhythmogenic cardiomyopathy with wooly hair and keratoderma; Arrhythmogenic right ventricular dysplasia 8. Last evaluated: 2021-08-26. Review status: criteria provided, single submitter. Criteria: Invitae Variant Classification Sherloc (09022015). Collection method: clinical testing. Allele origin: germline.
Comment: This sequence change replaces glutamine with proline at codon 2457 of the DSP protein (p.Gln2457Pro). The glutamine residue is highly conserved and there is a moderate physicochemical difference between glutamine and proline. This variant is not present in population databases (ExAC no frequency). This variant has not been reported in the literature in individuals affected with DSP-related conditions. Algorithms developed to predict the effect of missense changes on protein structure and function are either unavailable or do not agree on the potential impact of this missense change (SIFT: "Deleterious"; PolyPhen-2: "Probably Damaging"; Align-GVGD: "Class C0"). In summary, the available evidence is currently insufficient to determine the role of this variant in disease. Therefore, it has been classified as a Variant of Uncertain Significance.

NM_004415.4(DSP):c.7370A>C (p.Gln2457Pro)

Gene: DSP (desmoplakin; plus strand). Cytogenetic location: 6p24.3.
Variant type: single nucleotide variant.
Coding change: c.7370A>C on transcript NM_004415.4 (MANE Select); coding-DNA position 7370, A replaced by C.
Protein change: p.Gln2457Pro; replaces glutamine 2457 with proline.
Molecular consequence: missense variant.
Genome position (GRCh38, 1-based): chr6:7,584,632, A>C. VCF-style: chr6-7584632-A-C. GRCh37 (hg19) VCF-style: chr6-7584865-A-C.
Other names: c.5573A>C, p.Gln1858Pro (NM_001008844.3); c.6041A>C, p.Gln2014Pro (NM_001319034.2); short protein forms Q1858P, Q2014P, Q2457P.
Identifiers: ClinVar variation 1023455 (VCV001023455.13), dbSNP rs1206306343, ClinGen allele CA362692851.
Genomic context (GRCh38, chr6:7,584,632, plus strand): 5'-AGGAAACAGGGCTCTGTCTTCTGCCTCTGAAAGAAAAGAAGAAACAGGTGCAGACATCAC[A>C]AAAGAATACCCTCAGGAAGCGTAGAGTGGTCATAGTTGACCCAGAAACCAATAAAGAAAT-3'
Protein context (NP_004406.2, residues 2447-2467): KEKKKQVQTS[Gln2457Pro]KNTLRKRRVV